The following is an entry in ClinVar:

ClinVar aggregate classification (germline): Uncertain significance. Review status: criteria provided, multiple submitters, no conflicts (2 of 4 stars). 2 submissions from 2 submitters: Uncertain significance (2). Last evaluated 2026-01-21.

Conditions:
Inborn genetic diseases. Identifiers: MedGen C0950123, MeSH D030342.

gnomAD v4.1: 1 of 1,614,220 alleles (0.000062%); highest among the groups gnomAD compares: Non-Finnish European, 0.000085%; no homozygotes.

Submissions (2):

Ambry Genetics
Classification: Uncertain significance for Inborn genetic diseases. Last evaluated: 2026-01-21. Review status: criteria provided, single submitter. Criteria: Ambry Variant Classification Scheme 2023. Collection method: clinical testing. Allele origin: germline.

Labcorp Genetics (formerly Invitae), Labcorp
Classification: Uncertain significance. Last evaluated: 2024-08-13. Review status: criteria provided, single submitter. Criteria: Invitae Variant Classification Sherloc (09022015). Collection method: clinical testing. Allele origin: germline.
Comment: This sequence change replaces tryptophan, which is neutral and slightly polar, with arginine, which is basic and polar, at codon 2619 of the TRRAP protein (p.Trp2619Arg). This variant is not present in population databases (gnomAD no frequency). This variant has not been reported in the literature in individuals affected with TRRAP-related conditions. Advanced modeling of protein sequence and biophysical properties (such as structural, functional, and spatial information, amino acid conservation, physicochemical variation, residue mobility, and thermodynamic stability) performed at Invitae indicates that this missense variant is expected to disrupt TRRAP protein function with a positive predictive value of 80%. In summary, the available evidence is currently insufficient to determine the role of this variant in disease. Therefore, it has been classified as a Variant of Uncertain Significance.

NM_001375524.1(TRRAP):c.7930T>C (p.Trp2644Arg)

Gene: TRRAP (transformation/transcription domain associated protein; plus strand). Cytogenetic location: 7q22.1.
Variant type: single nucleotide variant.
Coding change: c.7930T>C on transcript NM_001375524.1 (MANE Select); coding-DNA position 7930, T replaced by C.
Protein change: p.Trp2644Arg; replaces tryptophan 2644 with arginine.
Molecular consequence: missense variant.
Genome position (GRCh38, 1-based): chr7:98,976,239, T>C. VCF-style: chr7-98976239-T-C. GRCh37 (hg19) VCF-style: chr7-98573862-T-C.
Other names: c.7909T>C (NM_001244580.1); c.7909T>C, p.Trp2637Arg (NM_001244580.2); c.7855T>C, p.Trp2619Arg (NM_003496.4); short protein forms W2619R, W2637R, W2644R.
Identifiers: ClinVar variation 3612426 (VCV003612426.2).